The following is an entry in ClinVar:

NM_001458.5(FLNC):c.2171G>T (p.Gly724Val)

Gene: FLNC (filamin C; plus strand). Cytogenetic location: 7q32.1.
Variant type: single nucleotide variant.
Coding change: c.2171G>T on transcript NM_001458.5 (MANE Select); coding-DNA position 2171, G replaced by T.
Protein change: p.Gly724Val; replaces glycine 724 with valine.
Molecular consequence: missense variant.
Genome position (GRCh38, 1-based): chr7:128,842,280, G>T. VCF-style: chr7-128842280-G-T. GRCh37 (hg19) VCF-style: chr7-128482334-G-T.
Other names: c.2171G>T, p.Gly724Val (NM_001127487.2); short protein forms G724V.
Identifiers: ClinVar variation 1973462 (VCV001973462.2), dbSNP rs1554398553, ClinGen allele CA369228901.

ClinVar aggregate classification (germline): Uncertain significance (1 of 4 stars; one submission).

Conditions:
Myofibrillar myopathy 5. Also called: Filaminopathy (type); FILAMINOPATHY, AUTOSOMAL DOMINANT. Identifiers: Orphanet 171445, MedGen C1836050, MONDO:0012289, OMIM 609524.
Hypertrophic cardiomyopathy 26. Also called: Cardiomyopathy, familial hypertrophic, 26. Identifiers: Orphanet 75249, MedGen C4310749, MONDO:0014883, OMIM 617047.
Distal myopathy with posterior leg and anterior hand involvement. Also called: WILLIAMS DISTAL MYOPATHY. Identifiers: Orphanet 63273, MedGen C3279722, MONDO:0013550, OMIM 614065.
Dilated Cardiomyopathy, Dominant.

Allele frequency attached by ClinVar (database versions not stated): gnomAD 0.00001.

Submission:

Labcorp Genetics (formerly Invitae), Labcorp
Classification: Uncertain significance for Distal myopathy with posterior leg and anterior hand involvement; Myofibrillar myopathy 5; Hypertrophic cardiomyopathy 26. Last evaluated: 2022-03-10. Review status: criteria provided, single submitter. Criteria: Invitae Variant Classification Sherloc (09022015). Collection method: clinical testing. Allele origin: germline.
Comment: This sequence change replaces glycine, which is neutral and non-polar, with valine, which is neutral and non-polar, at codon 724 of the FLNC protein (p.Gly724Val). This variant is not present in population databases (gnomAD no frequency). This variant has not been reported in the literature in individuals affected with FLNC-related conditions. Algorithms developed to predict the effect of missense changes on protein structure and function are either unavailable or do not agree on the potential impact of this missense change (SIFT: "Deleterious"; PolyPhen-2: "Possibly Damaging"; Align-GVGD: "Class C0"). In summary, the available evidence is currently insufficient to determine the role of this variant in disease. Therefore, it has been classified as a Variant of Uncertain Significance.